The following is an entry in ClinVar:

ClinVar aggregate classification (germline): Conflicting classifications of pathogenicity. Review status: criteria provided, conflicting classifications (1 of 4 stars). 4 submissions from 4 submitters: Uncertain significance (2); Benign (1); Likely benign (1). Last evaluated 2025-09-11.

Conditions:
Kabuki syndrome. Also called: NIIKAWA-KUROKI SYNDROME; Kabuki make-up syndrome. Identifiers: Orphanet 2322, MedGen C0796004, MONDO:0016512.
Choanal atresia-athelia-hypothyroidism-delayed puberty-short stature syndrome (BCAHH). Also called: BRANCHIAL ARCH ABNORMALITIES, CHOANAL ATRESIA, ATHELIA, HEARING LOSS, AND HYPOTHYROIDISM SYNDROME. Identifiers: Orphanet 589856, MedGen C5680310, MONDO:0035651, OMIM 620186.
Kabuki syndrome 1 (KABUK1). Also called: KMT2D-Related Kabuki Syndrome. Identifiers: Orphanet 2322, MedGen CN030661, MONDO:0007843, OMIM 147920.
KMT2D-related disorder. Also called: KMT2D-Related Disorders.

Allele frequency attached by ClinVar (database versions not stated): ExAC 0.00001; gnomAD 0.00001; gnomAD exomes 0.00001; TOPMed 0.00005.
gnomAD v4.1: 9 of 1,611,880 alleles (0.00056%); highest among the groups gnomAD compares: Admixed American, 0.0017%; no homozygotes.

Submissions (4):

PreventionGenetics, part of Exact Sciences
Classification: Uncertain significance for KMT2D-related condition. Last evaluated: 2025-09-11. Review status: criteria provided, single submitter. Criteria: ACMG Guidelines, 2015. Collection method: clinical testing. Allele origin: germline.
Comment: The KMT2D c.10148G>A variant is predicted to result in the amino acid substitution p.Gly3383Asp. To our knowledge, this variant has not been reported in the literature. This variant is reported in 0.00089% of alleles in individuals of European (Non-Finnish) descent in gnomAD. Although we suspect that this variant may be benign, at this time, the clinical significance of this variant is uncertain due to the absence of conclusive functional and genetic evidence.

Labcorp Genetics (formerly Invitae), Labcorp
Classification: Benign for Kabuki syndrome. Last evaluated: 2025-07-14. Review status: criteria provided, single submitter. Criteria: Invitae Variant Classification Sherloc (09022015). Collection method: clinical testing. Allele origin: germline.

Fulgent Genetics
Classification: Uncertain significance for Kabuki syndrome 1; Choanal atresia-athelia-hypothyroidism-delayed puberty-short stature syndrome. Last evaluated: 2024-03-25. Review status: criteria provided, single submitter. Criteria: ACMG Guidelines, 2015. Collection method: clinical testing. Allele origin: germline.

GeneDx
Classification: Likely benign. Last evaluated: 2021-03-24. Review status: criteria provided, single submitter. Criteria: GeneDx Variant Classification Process June 2021. Collection method: clinical testing. Allele origin: germline. Affected: yes.
Comment: In silico analysis supports that this missense variant does not alter protein structure/function; Has not been previously published as pathogenic or benign to our knowledge

NM_003482.4(KMT2D):c.10148G>A (p.Gly3383Asp)

Gene: KMT2D (lysine methyltransferase 2D; minus strand). Cytogenetic location: 12q13.12.
Variant type: single nucleotide variant.
Coding change: c.10148G>A on transcript NM_003482.4 (MANE Select); coding-DNA position 10148, G replaced by A.
Protein change: p.Gly3383Asp; replaces glycine 3383 with aspartic acid.
Molecular consequence: missense variant.
Genome position (GRCh38, 1-based): chr12:49,037,208, C>T on the plus strand (G>A on the coding strand, the complement: KMT2D is on the minus strand). VCF-style: chr12-49037208-C-T. GRCh37 (hg19) VCF-style: chr12-49430991-C-T.
Other names: short protein forms G3383D.
Identifiers: ClinVar variation 1300624 (VCV001300624.7), dbSNP rs776462586, ClinGen allele CA6546603.